The following is an entry in ClinVar:

NM_024426.6(WT1):c.326C>A (p.Pro109Gln)

Genes: WT1 (WT1 transcription factor; minus strand), LOC107982234 (WT1/WT1-AS bi-directional promoter region; plus strand). Cytogenetic location: 11p13.
Variant type: single nucleotide variant.
Coding change: c.326C>A on transcript NM_024426.6 (MANE Select); coding-DNA position 326, C replaced by A.
Protein change: p.Pro109Gln; replaces proline 109 with glutamine.
Molecular consequence: missense variant. On other transcripts: non-coding transcript variant (1).
Genome position (GRCh38, 1-based): chr11:32,435,035, G>T on the plus strand (C>A on the coding strand, the complement: WT1 is on the minus strand). VCF-style: chr11-32435035-G-T. GRCh37 (hg19) VCF-style: chr11-32456581-G-T.
Other names: c.326C>A, p.Pro109Gln (NM_000378.6, NM_024424.5); short protein forms P109Q.
Identifiers: ClinVar variation 950796 (VCV000950796.12), dbSNP rs1853459569, ClinGen allele CA379965921.

ClinVar aggregate classification (germline): Uncertain significance. Review status: criteria provided, multiple submitters, no conflicts (2 of 4 stars). 3 submissions from 3 submitters: Uncertain significance (3). Last evaluated 2026-07-30.

Conditions:
Inborn genetic diseases. Identifiers: MedGen C0950123, MeSH D030342.
Wilms tumor 1 (WT1). Also called: Wilms tumor, somatic. Identifiers: Orphanet 654, MedGen CN033288, MONDO:0008679, OMIM 194070.
11p partial monosomy syndrome (WAGR). Also called: CHROMOSOME 11p13 DELETION SYNDROME; WAGR syndrome; WAGR Complex; WAGR Spectrum Disorder. Identifiers: Orphanet 893, MedGen C0206115, MONDO:0008681, OMIM 194072.
Drash syndrome (DDS). Also called: NEPHROPATHY, WILMS TUMOR, AND GENITAL ANOMALIES; WILMS TUMOR AND PSEUDO- OR TRUE HERMAPHRODITISM. Identifiers: Orphanet 220, MedGen C0950121, MONDO:0008682, OMIM 194080.
Frasier syndrome. Identifiers: Orphanet 347, MedGen C0950122, MeSH D052159, MONDO:0007635, OMIM 136680.

gnomAD v4.1: 1 of 1,461,586 alleles (0.000068%); highest among the groups gnomAD compares: Non-Finnish European, 0.000089%; no homozygotes.

Submissions (3):

Ambry Genetics
Classification: Uncertain significance for Inborn genetic diseases. Last evaluated: 2026-07-30. Review status: criteria provided, single submitter. Criteria: Ambry Variant Classification Scheme 2023. Collection method: clinical testing. Allele origin: germline.
Comment: The p.P104Q variant (also known as c.311C>A), located in coding exon 1 of the WT1 gene, results from a C to A substitution at nucleotide position 311. The proline at codon 104 is replaced by glutamine, an amino acid with similar properties. This amino acid position is conserved. In addition, this alteration is predicted to be tolerated by in silico analysis. Based on the available evidence, the clinical significance of this variant remains unclear.

GeneDx
Classification: Uncertain significance. Last evaluated: 2024-04-08. Review status: criteria provided, single submitter. Criteria: GeneDx Variant Classification Process June 2021. Collection method: clinical testing. Allele origin: germline. Affected: yes.
Comment: Not observed at significant frequency in large population cohorts (gnomAD); In silico analysis indicates that this missense variant does not alter protein structure/function; Has not been previously published as pathogenic or benign to our knowledge; This variant is associated with the following publications: (PMID: 8486616)

Labcorp Genetics (formerly Invitae), Labcorp
Classification: Uncertain significance for Wilms tumor 1; Drash syndrome; 11p partial monosomy syndrome; Frasier syndrome. Last evaluated: 2023-12-08. Review status: criteria provided, single submitter. Criteria: Invitae Variant Classification Sherloc (09022015). Collection method: clinical testing. Allele origin: germline.
Comment: This sequence change replaces proline, which is neutral and non-polar, with glutamine, which is neutral and polar, at codon 104 of the WT1 protein (p.Pro104Gln). This variant is not present in population databases (gnomAD no frequency). This variant has not been reported in the literature in individuals affected with WT1-related conditions. ClinVar contains an entry for this variant (Variation ID: 950796). Advanced modeling of protein sequence and biophysical properties (such as structural, functional, and spatial information, amino acid conservation, physicochemical variation, residue mobility, and thermodynamic stability) performed at Invitae indicates that this missense variant is not expected to disrupt WT1 protein function with a negative predictive value of 95%. In summary, the available evidence is currently insufficient to determine the role of this variant in disease. Therefore, it has been classified as a Variant of Uncertain Significance.